The following is an entry in ClinVar:

NM_000404.4(GLB1):c.734-6T>A

Gene: GLB1 (galactosidase beta 1; minus strand). Cytogenetic location: 3p22.3.
Variant type: single nucleotide variant.
Coding change: c.734-6T>A on transcript NM_000404.4 (MANE Select); 6 bases into the intron before coding-DNA position 734, T replaced by A.
Molecular consequence: intron variant.
Genome position (GRCh38, 1-based): chr3:33,053,555, A>T on the plus strand (T>A on the coding strand, the complement: GLB1 is on the minus strand). VCF-style: chr3-33053555-A-T. GRCh37 (hg19) VCF-style: chr3-33095047-A-T.
Other names: p.?; c.734-6T>A (NM_001393580.1); c.341-6T>A (NM_001135602.3); c.878-6T>A (NM_001317040.2); c.644-6T>A (NM_001079811.3).
Identifiers: ClinVar variation 1518783 (VCV001518783.7), dbSNP rs1350583798, ClinGen allele CA432959588.

ClinVar aggregate classification (germline): Conflicting classifications of pathogenicity. Review status: criteria provided, conflicting classifications (1 of 4 stars). 2 submissions from 2 submitters: Uncertain significance (1); Likely benign (1). Last evaluated 2025-08-02.

Conditions:
GM1 gangliosidosis. Identifiers: Orphanet 354, MedGen C0085131, MONDO:0018149.
Mucopolysaccharidosis, MPS-IV-B (MPS4B). Also called: MORQUIO SYNDROME B; Mucopolysaccharidosis Type IVB (Morquio B Disease); Mucopolysaccharidosis type 4B; Mucopolysaccharidosis type IVB (Morquio); MPS IVB; Mucopolysaccharidosis type IV B. Identifiers: Orphanet 309310, Orphanet 582, MedGen C0086652, MONDO:0009660, OMIM 253010.

Allele frequency attached by ClinVar (database versions not stated): gnomAD 0.00001; TOPMed 0.00001.
gnomAD v4.1: 1 of 1,614,016 alleles (0.000062%); no homozygotes.

Submissions (2):

Mayo Clinic Laboratories, Mayo Clinic
Classification: Uncertain significance. Last evaluated: 2025-08-02. Review status: criteria provided, single submitter. Criteria: ACMG Guidelines, 2015. Collection method: clinical testing. Allele origin: germline. Observed: 1 variant allele.
Comment: PM2_supporting

Labcorp Genetics (formerly Invitae), Labcorp
Classification: Likely benign for Mucopolysaccharidosis, MPS-IV-B; GM1 gangliosidosis. Last evaluated: 2023-11-27. Review status: criteria provided, single submitter. Criteria: Invitae Variant Classification Sherloc (09022015). Collection method: clinical testing. Allele origin: germline.